The following is an entry in ClinVar:

NM_000038.6(APC):c.5424C>A (p.Asn1808Lys)

Gene: APC (APC regulator of Wnt signaling pathway; plus strand). Cytogenetic location: 5q22.2.
Variant type: single nucleotide variant.
Coding change: c.5424C>A on transcript NM_000038.6 (MANE Select); coding-DNA position 5424, C replaced by A.
Protein change: p.Asn1808Lys; replaces asparagine 1808 with lysine.
Molecular consequence: missense variant.
Genome position (GRCh38, 1-based): chr5:112,841,018, C>A. VCF-style: chr5-112841018-C-A. GRCh37 (hg19) VCF-style: chr5-112176715-C-A.
Other names: c.5424C>A, p.Asn1808Lys (NM_001127510.3, NM_001354895.2); c.5370C>A, p.Asn1790Lys (NM_001127511.3); c.5478C>A, p.Asn1826Lys (NM_001354896.2); c.5349C>A, p.Asn1783Lys (NM_001354898.2); c.5454C>A, p.Asn1818Lys (NM_001354897.2); c.5340C>A, p.Asn1780Lys (NM_001354899.2); c.5301C>A, p.Asn1767Lys (NM_001354900.2); c.5247C>A, p.Asn1749Lys (NM_001354901.2); and 5 more; short protein forms N1790K, N1808K, N1525K, N1648K, N1717K, N1767K, N1783K, N1818K.
Identifiers: ClinVar variation 482368 (VCV000482368.5), dbSNP rs747721259, ClinGen allele CA16033187.

ClinVar aggregate classification (germline): Uncertain significance (1 of 4 stars; one submission).

Conditions:
Hereditary cancer-predisposing syndrome. Also called: Neoplastic Syndromes, Hereditary; Tumor predisposition; Hereditary Cancer Syndrome; Hereditary neoplastic syndrome. Identifiers: Orphanet 140162, MedGen C0027672, MeSH D009386, MONDO:0015356.

Submission:

Ambry Genetics
Classification: Uncertain significance for Hereditary cancer-predisposing syndrome. Last evaluated: 2024-02-29. Review status: criteria provided, single submitter. Criteria: Ambry Variant Classification Scheme 2023. Collection method: clinical testing. Allele origin: germline.
Comment: The p.N1808K variant (also known as c.5424C>A), located in coding exon 15 of the APC gene, results from a C to A substitution at nucleotide position 5424. The asparagine at codon 1808 is replaced by lysine, an amino acid with similar properties. This amino acid position is not well conserved in available vertebrate species. In addition, in silico predictors for this gene do not accurately predict pathogenicity. Based on the available evidence, the clinical significance of this alteration remains unclear.